The following is an entry in ClinVar:

NM_001042492.3(NF1):c.5988_5989del (p.Ile1996fs)

Gene: NF1 (neurofibromin 1; plus strand). Cytogenetic location: 17q11.2.
Variant type: Microsatellite.
Coding change: c.5988_5989del on transcript NM_001042492.3 (MANE Select); coding-DNA positions 5988 to 5989, 2 bases deleted (AT; older notation c.5988_5989delAT).
Protein change: p.Ile1996fs; shifts the reading frame from isoleucine 1996.
Molecular consequence: frameshift variant.
Genome position (GRCh38, 1-based): chr17:31,335,013-31,335,014, AT deleted; deleting any 2 consecutive bases within chr17:31,335,011-31,335,014 gives the same sequence; the c. name uses the placement nearest the transcript's 3' end. VCF-style (leftmost placement, unchanged base first): chr17-31335010-AAT-A. GRCh37 (hg19) VCF-style: chr17-29662028-AAT-A.
Other names: c.5923_5924AT[1], p.Ile1975Metfs (NM_000267.4); short protein forms I1996fs, I1975fs.
Identifiers: ClinVar variation 2124504 (VCV002124504.4), dbSNP rs2508737614, ClinGen allele CA2580614077.

ClinVar aggregate classification (germline): Pathogenic (1 of 4 stars; one submission).

Conditions:
Neurofibromatosis, type 1 (NF1). Also called: Peripheral type neurofibromatosis; NEUROFIBROMATOSIS, TYPE I, SOMATIC; Neurofibromatosis, type I; VON RECKLINGHAUSEN DISEASE. Identifiers: Orphanet 636, MedGen C0027831, MONDO:0018975, OMIM 162200. Disease mechanism: loss of function.

Submission:

Labcorp Genetics (formerly Invitae), Labcorp
Classification: Pathogenic for Neurofibromatosis, type 1. Last evaluated: 2022-04-11. Review status: criteria provided, single submitter. Criteria: Invitae Variant Classification Sherloc (09022015). Collection method: clinical testing. Allele origin: germline.
Comment: This sequence change creates a premature translational stop signal (p.Ile1975Metfs*12) in the NF1 gene. It is expected to result in an absent or disrupted protein product. Loss-of-function variants in NF1 are known to be pathogenic (PMID: 10712197, 23913538). This variant is not present in population databases (gnomAD no frequency). For these reasons, this variant has been classified as Pathogenic. This variant has not been reported in the literature in individuals affected with NF1-related conditions.

Literature cited by the submitters: PubMed 10712197; PubMed 23913538.